The following is an entry in ClinVar:

ClinVar aggregate classification (germline): Likely benign. Review status: criteria provided, single submitter (1 of 4 stars). 2 submissions from 2 submitters: Likely benign (1). 1 of the submissions does not count toward it. Last evaluated 2023-07-17.

Conditions:
MYO7A-related disorder. Also called: MYO7A-related disorders.

Allele frequency attached by ClinVar (database versions not stated): TOPMed below 0.00001.
gnomAD v4.1: 9 of 1,607,016 alleles (0.00056%); highest among the groups gnomAD compares: Non-Finnish European, 0.00068%; no homozygotes.

Submissions (2):

Labcorp Genetics (formerly Invitae), Labcorp
Classification: Likely benign. Last evaluated: 2023-07-17. Review status: criteria provided, single submitter. Criteria: Invitae Variant Classification Sherloc (09022015). Collection method: clinical testing. Allele origin: germline.

PreventionGenetics, part of Exact Sciences
Classification: Likely benign for MYO7A-related condition. Last evaluated: 2021-02-09. Review status: no assertion criteria provided. Collection method: clinical testing. Allele origin: germline. Not counted in ClinVar's aggregate classification.
Comment: This variant is classified as likely benign based on ACMG/AMP sequence variant interpretation guidelines (Richards et al. 2015 PMID: 25741868, with internal and published modifications).

NM_000260.4(MYO7A):c.19-4A>G

Gene: MYO7A (myosin VIIA; plus strand). Cytogenetic location: 11q13.5.
Variant type: single nucleotide variant.
Coding change: c.19-4A>G on transcript NM_000260.4 (MANE Select); 4 bases into the intron before coding-DNA position 19, A replaced by G.
Molecular consequence: intron variant.
Genome position (GRCh38, 1-based): chr11:77,142,705, A>G. VCF-style: chr11-77142705-A-G. GRCh37 (hg19) VCF-style: chr11-76853751-A-G.
Other names: c.19-4A>G (NM_000260.3, NM_001127180.2); c.-15-4A>G (NM_001369365.1).
Identifiers: ClinVar variation 2916522 (VCV002916522.5), dbSNP rs1267488205, ClinGen allele CA680406193.